The following is an entry in ClinVar:

ClinVar aggregate classification (germline): Uncertain significance (1 of 4 stars; one submission).

Conditions:
Emery-Dreifuss muscular dystrophy 4, autosomal dominant (EDMD4). Also called: EMERY-DREIFUSS MUSCULAR DYSTROPHY 4 WITH VARIABLE FEATURES. Identifiers: Orphanet 261, MedGen C2751807, MONDO:0013071, OMIM 612998.
Autosomal recessive ataxia, Beauce type. Also called: Spinocerebellar ataxia, autosomal recessive 8; ATAXIA, RECESSIVE, OF BEAUCE; SYNE1 Deficiency; SYNE1-Related Autosomal Recessive Cerebellar Ataxia. Identifiers: Orphanet 88644, MedGen C1853116, MONDO:0012549, OMIM 610743.

Allele frequency attached by ClinVar (database versions not stated): gnomAD exomes below 0.00001; ExAC 0.00001.
gnomAD v4.1: 1 of 1,614,106 alleles (0.000062%); highest among the groups gnomAD compares: Admixed American, 0.0017%; no homozygotes.

Submission:

Labcorp Genetics (formerly Invitae), Labcorp
Classification: Uncertain significance for Emery-Dreifuss muscular dystrophy 4, autosomal dominant; Autosomal recessive ataxia, Beauce type. Last evaluated: 2022-09-01. Review status: criteria provided, single submitter. Criteria: Invitae Variant Classification Sherloc (09022015). Collection method: clinical testing. Allele origin: germline.
Comment: This sequence change replaces methionine, which is neutral and non-polar, with threonine, which is neutral and polar, at codon 5223 of the SYNE1 protein (p.Met5223Thr). This variant is present in population databases (rs748905719, gnomAD 0.003%). This variant has not been reported in the literature in individuals affected with SYNE1-related conditions. ClinVar contains an entry for this variant (Variation ID: 1525963). Algorithms developed to predict the effect of missense changes on protein structure and function output the following: SIFT: "Deleterious"; PolyPhen-2: "Benign"; Align-GVGD: "Class C25". The threonine amino acid residue is found in multiple mammalian species, which suggests that this missense change does not adversely affect protein function. In summary, the available evidence is currently insufficient to determine the role of this variant in disease. Therefore, it has been classified as a Variant of Uncertain Significance.

NM_182961.4(SYNE1):c.15881T>C (p.Met5294Thr)

Gene: SYNE1 (spectrin repeat containing nuclear envelope protein 1; minus strand). Cytogenetic location: 6q25.2.
Variant type: single nucleotide variant.
Coding change: c.15881T>C on transcript NM_182961.4 (MANE Select); coding-DNA position 15881, T replaced by C.
Protein change: p.Met5294Thr; replaces methionine 5294 with threonine.
Molecular consequence: missense variant.
Genome position (GRCh38, 1-based): chr6:152,323,514, A>G on the plus strand (T>C on the coding strand, the complement: SYNE1 is on the minus strand). VCF-style: chr6-152323514-A-G. GRCh37 (hg19) VCF-style: chr6-152644649-A-G.
Other names: c.15668T>C, p.Met5223Thr (NM_033071.5); short protein forms M5294T, M5223T.
Identifiers: ClinVar variation 1525963 (VCV001525963.3), dbSNP rs748905719, ClinGen allele CA4055671.